The following is an entry in ClinVar:

ClinVar aggregate classification (germline): Uncertain significance. Review status: criteria provided, multiple submitters, no conflicts (2 of 4 stars). 2 submissions from 2 submitters: Uncertain significance (2). Last evaluated 2025-05-05.

gnomAD v4.1: 2 of 1,614,016 alleles (0.00012%); highest among the groups gnomAD compares: Non-Finnish European, 0.00017%; no homozygotes.

Submissions (2):

Ambry Genetics
Classification: Uncertain significance. Last evaluated: 2025-05-05. Review status: criteria provided, single submitter. Criteria: Ambry Variant Classification Scheme 2023. Collection method: clinical testing. Allele origin: germline.

Labcorp Genetics (formerly Invitae), Labcorp
Classification: Uncertain significance. Last evaluated: 2024-10-20. Review status: criteria provided, single submitter. Criteria: Invitae Variant Classification Sherloc (09022015). Collection method: clinical testing. Allele origin: germline.
Comment: This sequence change replaces lysine, which is basic and polar, with glutamic acid, which is acidic and polar, at codon 46 of the CETP protein (p.Lys46Glu). This variant is present in population databases (rs775077692, gnomAD 0.0009%). This variant has not been reported in the literature in individuals affected with CETP-related conditions. Invitae Evidence Modeling of protein sequence and biophysical properties (such as structural, functional, and spatial information, amino acid conservation, physicochemical variation, residue mobility, and thermodynamic stability) indicates that this missense variant is not expected to disrupt CETP protein function with a negative predictive value of 80%. In summary, the available evidence is currently insufficient to determine the role of this variant in disease. Therefore, it has been classified as a Variant of Uncertain Significance.

NM_000078.3(CETP):c.136A>G (p.Lys46Glu)

Gene: CETP (cholesteryl ester transfer protein; plus strand). Cytogenetic location: 16q13.
Variant type: single nucleotide variant.
Coding change: c.136A>G on transcript NM_000078.3 (MANE Select); coding-DNA position 136, A replaced by G.
Protein change: p.Lys46Glu; replaces lysine 46 with glutamic acid.
Molecular consequence: missense variant.
Genome position (GRCh38, 1-based): chr16:56,963,027, A>G. VCF-style: chr16-56963027-A-G. GRCh37 (hg19) VCF-style: chr16-56996939-A-G.
Other names: c.136A>G, p.Lys46Glu (NM_001286085.2); c.136A>G (NM_000078.2); short protein forms K46E.
Identifiers: ClinVar variation 3697486 (VCV003697486.3).